The following is an entry in ClinVar:

ClinVar aggregate classification (germline): Uncertain significance (1 of 4 stars; one submission).

Conditions:
Developmental and epileptic encephalopathy, 9 (DEE9). Also called: JUBERG-HELLMAN SYNDROME; Early infantile epileptic encephalopathy 9; EPILEPSY, FEMALE-RESTRICTED, WITH MENTAL RETARDATION; PCDH19-Related X-Linked Female-Limited Epilepsy with Mental Retardation. Identifiers: Orphanet 101039, Orphanet 2076, MedGen C1848137, MONDO:0010246, OMIM 300088. Disease mechanism: loss of function.

Submission:

Labcorp Genetics (formerly Invitae), Labcorp
Classification: Uncertain significance for Developmental and epileptic encephalopathy, 9. Last evaluated: 2021-02-24. Review status: criteria provided, single submitter. Criteria: Invitae Variant Classification Sherloc (09022015). Collection method: clinical testing. Allele origin: germline.
Comment: This variant has not been reported in the literature in individuals with PCDH19-related conditions. Advanced modeling of protein sequence and biophysical properties (such as structural, functional, and spatial information, amino acid conservation, physicochemical variation, residue mobility, and thermodynamic stability) performed at Invitae indicates that this missense variant is expected to disrupt PCDH19 protein function. In summary, the available evidence is currently insufficient to determine the role of this variant in disease. Therefore, it has been classified as a Variant of Uncertain Significance. This variant is not present in population databases (ExAC no frequency). This sequence change replaces isoleucine with serine at codon 112 of the PCDH19 protein (p.Ile112Ser). The isoleucine residue is highly conserved and there is a large physicochemical difference between isoleucine and serine.

NM_001184880.2(PCDH19):c.335T>G (p.Ile112Ser)

Gene: PCDH19 (protocadherin 19; minus strand). Cytogenetic location: Xq22.1.
Variant type: single nucleotide variant.
Coding change: c.335T>G on transcript NM_001184880.2 (MANE Select); coding-DNA position 335, T replaced by G.
Protein change: p.Ile112Ser; replaces isoleucine 112 with serine.
Molecular consequence: missense variant.
Genome position (GRCh38, 1-based): chrX:100,408,263, A>C on the plus strand (T>G on the coding strand, the complement: PCDH19 is on the minus strand). VCF-style: chrX-100408263-A-C. GRCh37 (hg19) VCF-style: chrX-99663261-A-C.
Other names: c.335T>G, p.Ile112Ser (NM_001105243.2, NM_020766.3); short protein forms I112S.
Identifiers: ClinVar variation 1375472 (VCV001375472.8), dbSNP rs2147542128, ClinGen allele CA414010547.